The following is an entry in ClinVar:

NM_001017420.3(ESCO2):c.382G>A (p.Gly128Arg)

Gene: ESCO2 (establishment of sister chromatid cohesion N-acetyltransferase 2; plus strand). Cytogenetic location: 8p21.1.
Variant type: single nucleotide variant.
Coding change: c.382G>A on transcript NM_001017420.3 (MANE Select); coding-DNA position 382, G replaced by A.
Protein change: p.Gly128Arg; replaces glycine 128 with arginine.
Molecular consequence: missense variant.
Genome position (GRCh38, 1-based): chr8:27,776,690, G>A. VCF-style: chr8-27776690-G-A. GRCh37 (hg19) VCF-style: chr8-27634207-G-A.
Other names: short protein forms G128R.
Identifiers: ClinVar variation 708037 (VCV000708037.12), dbSNP rs143828675, ClinGen allele CA4692041.

ClinVar aggregate classification (germline): Likely benign. Review status: criteria provided, multiple submitters, no conflicts (2 of 4 stars). 3 submissions from 3 submitters: Likely benign (2). 1 of the submissions does not count toward it. Last evaluated 2026-01-19.

Conditions:
Roberts-SC phocomelia syndrome (RBS). Also called: Hypomelia hypotrichosis facial hemangioma syndrome; Pseudothalidomide syndrome; Appelt-Gerken-Lenz syndrome; ESCO2 Spectrum Disorder; LONG BONE DEFICIENCIES ASSOCIATED WITH CLEFT LIP-PALATE. Identifiers: Orphanet 3103, MedGen C0392475, MONDO:0100253, OMIM 268300.
ESCO2-related disorder. Also called: ESCO2-related condition.

Allele frequency attached by ClinVar (database versions not stated): gnomAD exomes 0.00009 and 0.00052; gnomAD 0.00019 and 0.00023; TOPMed 0.00027; ExAC 0.00047; 1000 Genomes Project 30x 0.00078; 1000 Genomes Project 0.00080.
gnomAD v4.1: 168 of 1,613,650 alleles (0.01%); highest among the groups gnomAD compares: East Asian, 0.36%; no homozygotes.

Submissions (3):

Labcorp Genetics (formerly Invitae), Labcorp
Classification: Likely benign. Last evaluated: 2026-01-19. Review status: criteria provided, single submitter. Criteria: Invitae Variant Classification Sherloc (09022015). Collection method: clinical testing. Allele origin: germline.

PreventionGenetics, part of Exact Sciences
Classification: Likely benign for ESCO2-related condition. Last evaluated: 2024-12-18. Review status: criteria provided, single submitter. Criteria: ACMG Guidelines, 2015. Collection method: clinical testing. Allele origin: germline.
Comment: This variant is classified as likely benign based on ACMG/AMP sequence variant interpretation guidelines (Richards et al. 2015 PMID: 25741868, with internal and published modifications).

Natera, Inc.
Classification: Likely benign for Roberts syndrome. Last evaluated: 2020-04-14. Review status: no assertion criteria provided. Collection method: clinical testing. Allele origin: germline. Not counted in ClinVar's aggregate classification.